The following is an entry in ClinVar:

ClinVar aggregate classification (germline): Uncertain significance (1 of 4 stars; one submission).

Submission:

GeneDx
Classification: Uncertain significance. Last evaluated: 2022-11-25. Review status: criteria provided, single submitter. Criteria: GeneDx Variant Classification Process June 2021. Collection method: clinical testing. Allele origin: germline. Affected: yes.
Comment: Not observed at significant frequency in large population cohorts (gnomAD); In silico analysis supports that this missense variant has a deleterious effect on protein structure/function; Has not been previously published as pathogenic or benign to our knowledge

NM_145331.3(MAP3K7):c.128G>C (p.Gly43Ala)

Gene: MAP3K7 (mitogen-activated protein kinase kinase kinase 7; minus strand). Cytogenetic location: 6q15.
Variant type: single nucleotide variant.
Coding change: c.128G>C on transcript NM_145331.3 (MANE Select); coding-DNA position 128, G replaced by C.
Protein change: p.Gly43Ala; replaces glycine 43 with alanine.
Molecular consequence: missense variant.
Genome position (GRCh38, 1-based): chr6:90,571,800, C>G on the plus strand (G>C on the coding strand, the complement: MAP3K7 is on the minus strand). VCF-style: chr6-90571800-C-G. GRCh37 (hg19) VCF-style: chr6-91281519-C-G.
Other names: c.128G>C, p.Gly43Ala (NM_003188.4, NM_145332.3, NM_145333.3); short protein forms G43A.
Identifiers: ClinVar variation 2504473 (VCV002504473.1), dbSNP rs2481872926, ClinGen allele CA365018392.